The following is an entry in ClinVar:

NM_003701.4(TNFSF11):c.107C>G (p.Pro36Arg)

Genes: TNFSF11 (TNF superfamily member 11; plus strand), LOC130009662 (ATAC-STARR-seq lymphoblastoid silent region 5301; plus strand). Cytogenetic location: 13q14.11.
Variant type: single nucleotide variant.
Coding change: c.107C>G on transcript NM_003701.4 (MANE Select); coding-DNA position 107, C replaced by G.
Protein change: p.Pro36Arg; replaces proline 36 with arginine.
Molecular consequence: missense variant. On other transcripts: intron variant (1).
Genome position (GRCh38, 1-based): chr13:42,574,410, C>G. VCF-style: chr13-42574410-C-G. GRCh37 (hg19) VCF-style: chr13-43148546-C-G.
Other names: p.Pro36Arg; c.-1+2672C>G (NM_033012.4); short protein forms P36R.
Identifiers: ClinVar variation 312229 (VCV000312229.19), dbSNP rs138818878, ClinGen allele CA6967125.
Genomic context (GRCh38, chr13:42,574,410, plus strand): 5'-AGGAGATGGGCGGCGGCCCCGGAGCCCCGCACGAGGGCCCCCTGCACGCCCCGCCGCCGC[C>G]TGCGCCGCACCAGCCCCCTGCCGCCTCCCGCTCCATGTTCGTGGCCCTCCTGGGGCTGGG-3'
Protein context (NP_003692.1, residues 26-46): HEGPLHAPPP[Pro36Arg]APHQPPAASR

ClinVar aggregate classification (germline): Benign/Likely benign. Review status: criteria provided, multiple submitters, no conflicts (2 of 4 stars). 6 submissions from 6 submitters: Benign (2); Likely benign (4). Last evaluated 2026-02-04.

Conditions:
Autosomal recessive osteopetrosis 2. Also called: OSTEOPETROSIS, MILD AUTOSOMAL RECESSIVE FORM. Identifiers: Orphanet 667, MedGen C1850126, MONDO:0009816, OMIM 259710.
Disorder of bone. Also called: Bone disorder; Rare bone disease related to a common gene or pathway defect; Bone disease. Identifiers: Orphanet 364803, MedGen C0005940, MONDO:0005381.

Allele frequency attached by ClinVar (database versions not stated): 1000 Genomes Project 0.01058; 1000 Genomes Project 30x 0.01062; TOPMed 0.01695; ESP Exome Variant Server 0.01846; gnomAD exomes 0.01965 and 0.02828; gnomAD 0.02091 and 0.02149; ExAC 0.03969.
gnomAD v4.1: 42,999 of 1,570,004 alleles (2.7%); highest among the groups gnomAD compares: Non-Finnish European, 3.2%; 744 homozygotes.

Submissions (6):

Labcorp Genetics (formerly Invitae), Labcorp
Classification: Benign. Last evaluated: 2026-02-04. Review status: criteria provided, single submitter. Criteria: Invitae Variant Classification Sherloc (09022015). Collection method: clinical testing. Allele origin: germline.

Mayo Clinic Laboratories, Mayo Clinic
Classification: Likely benign. Last evaluated: 2025-09-16. Review status: criteria provided, single submitter. Criteria: ACMG Guidelines, 2015. Collection method: clinical testing. Allele origin: germline. Observed: 1 variant allele.
Comment: BS1, BP4

Women's Health and Genetics/Laboratory Corporation of America, LabCorp
Classification: Likely benign. Last evaluated: 2021-12-10. Review status: criteria provided, single submitter. Criteria: LabCorp Variant Classification Summary - May 2015. Collection method: clinical testing. Allele origin: germline.

Genome Diagnostics Laboratory, The Hospital for Sick Children
Classification: Benign for Disorder of bone. Last evaluated: 2019-03-04. Review status: criteria provided, single submitter. Criteria: ACMG Guidelines, 2015. Collection method: clinical testing. Allele origin: germline. Affected: yes.
Comment: This missense variant is classified as Benign (ACMG criteria - BS1, BS2, BP6, BP4)

Illumina Laboratory Services, Illumina
Classification: Likely benign for Autosomal recessive osteopetrosis 2. Last evaluated: 2017-04-27. Review status: criteria provided, single submitter. Criteria: ICSL Variant Classification Criteria 13 December 2019. Collection method: clinical testing. Allele origin: germline.
Comment: This variant was observed as part of a predisposition screen in an ostensibly healthy population. A literature search was performed for the gene, cDNA change, and amino acid change (where applicable). Publications were found based on this search. The evidence from the literature, in combination with allele frequency data from public databases where available, was sufficient to determine this variant is unlikely to cause disease. Therefore, this variant is classified as likely benign.

Breakthrough Genomics
Classification: Likely benign. Review status: criteria provided, single submitter. Criteria: ACMG Guidelines, 2015. Collection method: not provided. Allele origin: germline. Inheritance: Autosomal recessive inheritance. Affected: yes.

Literature cited by the submitters: PubMed 21541994 (cited by Illumina Laboratory Services, Illumina); PubMed 20499338 (cited by Illumina Laboratory Services, Illumina).